The following is an entry in ClinVar:

NM_020433.5(JPH2):c.68C>T (p.Ala23Val)

Gene: JPH2 (junctophilin 2; minus strand). Cytogenetic location: 20q13.12.
Variant type: single nucleotide variant.
Coding change: c.68C>T on transcript NM_020433.5 (MANE Select); coding-DNA position 68, C replaced by T.
Protein change: p.Ala23Val; replaces alanine 23 with valine.
Molecular consequence: missense variant.
Genome position (GRCh38, 1-based): chr20:44,186,638, G>A on the plus strand (C>T on the coding strand, the complement: JPH2 is on the minus strand). VCF-style: chr20-44186638-G-A. GRCh37 (hg19) VCF-style: chr20-42815278-G-A.
Other names: c.68C>T, p.Ala23Val (NM_175913.4); short protein forms A23V.
Identifiers: ClinVar variation 1756061 (VCV001756061.4), dbSNP rs780867789, ClinGen allele CA9868932.
Genomic context (GRCh38, chr20:44,186,638, plus strand): 5'-TTCCAGGAGCCAGAGTATTCGCCCTGGCCCTTGGGGCCTGTGCACAGTCCATGCCCATGG[G>A]CCTTTCCCCCCTCCCAGCCCCCGCAGTACGCCCCTCCATCATCAAAGTCGAAGCGGCCCC-3'
Protein context (NP_065166.2, residues 13-33): AYCGGWEGGK[Ala23Val]HGHGLCTGPK

ClinVar aggregate classification (germline): Uncertain significance. Review status: criteria provided, multiple submitters, no conflicts (2 of 4 stars). 2 submissions from 2 submitters: Uncertain significance (2). Last evaluated 2024-09-22.

Conditions:
Cardiovascular phenotype. Identifiers: MedGen CN230736.

Allele frequency attached by ClinVar (database versions not stated): gnomAD exomes below 0.00001; ExAC 0.00001.
gnomAD v4.1: 6 of 1,610,674 alleles (0.00037%); highest among the groups gnomAD compares: East Asian, 0.011%; no homozygotes.

Submissions (2):

Ambry Genetics
Classification: Uncertain significance for Cardiovascular phenotype. Last evaluated: 2024-09-22. Review status: criteria provided, single submitter. Criteria: Ambry Variant Classification Scheme 2023. Collection method: clinical testing. Allele origin: germline.
Comment: The p.A23V variant (also known as c.68C>T), located in coding exon 1 of the JPH2 gene, results from a C to T substitution at nucleotide position 68. The alanine at codon 23 is replaced by valine, an amino acid with similar properties. This amino acid position is conserved. In addition, the in silico prediction for this alteration is inconclusive. Since supporting evidence is limited at this time, the clinical significance of this alteration remains unclear.

GeneDx
Classification: Uncertain significance. Last evaluated: 2023-06-12. Review status: criteria provided, single submitter. Criteria: GeneDx Variant Classification Process June 2021. Collection method: clinical testing. Allele origin: germline. Affected: yes.
Comment: Has not been previously published as pathogenic or benign to our knowledge; Not observed at significant frequency in large population cohorts (gnomAD); In silico analysis supports that this missense variant has a deleterious effect on protein structure/function